The following is an entry in ClinVar:

NM_153252.5(BRWD3):c.986-9A>G

Gene: BRWD3 (bromodomain and WD repeat domain containing 3; minus strand). Cytogenetic location: Xq21.1.
Variant type: single nucleotide variant.
Coding change: c.986-9A>G on transcript NM_153252.5 (MANE Select); 9 bases into the intron before coding-DNA position 986, A replaced by G.
Molecular consequence: intron variant.
Genome position (GRCh38, 1-based): chrX:80,734,227, T>C on the plus strand (A>G on the coding strand, the complement: BRWD3 is on the minus strand). VCF-style: chrX-80734227-T-C. GRCh37 (hg19) VCF-style: chrX-79989726-T-C.
Identifiers: ClinVar variation 489331 (VCV000489331.2), dbSNP rs1555973729, ClinGen allele CA658684315.

ClinVar aggregate classification (germline): Uncertain significance (1 of 4 stars; one submission).

Submission:

GeneDx
Classification: Uncertain significance. Last evaluated: 2018-01-16. Review status: criteria provided, single submitter. Criteria: GeneDx Variant Classification (06012015). Collection method: clinical testing. Allele origin: germline. Affected: yes.
Comment: The c.986-9 A>G variant has not been published as a pathogenic variant, nor has it been reported as a benign variant to our knowledge. The c.986-9 A>G variant is not observed in large population cohorts (Lek et al., 2016). Several in silico splice prediction models predict that c.986-9 A>G creates a cryptic acceptor site which may supplant the natural acceptor site and lead to abnormal gene splicing. However, in the absence of RNA/functional studies, the actual effect of this sequence change in this individual is unknown. Therefore, based on the currently available information, it is unclear whether this variant is a pathogenic variant or a rare benign variant.